The following is an entry in ClinVar:

ClinVar aggregate classification (germline): Benign/Likely benign. Review status: criteria provided, multiple submitters, no conflicts (2 of 4 stars). 11 submissions from 10 submitters: Benign (8); Likely benign (3). Last evaluated 2026-02-04.

Conditions:
Porokeratosis 3, disseminated superficial actinic type (POROK3). Also called: POROKERATOSIS 3, MULTIPLE TYPES; POROKERATOSIS 3, MIBELLI TYPE; POROKERATOSIS, DISSEMINATED SUPERFICIAL ACTINIC, 1. Identifiers: MedGen C1867981, MONDO:0008293, OMIM 175900.
Hyperimmunoglobulin D with periodic fever (HIDS). Also called: Hyperimmunoglobulinemia D; HYPERIMMUNOGLOBULINEMIA D AND PERIODIC FEVER SYNDROME; Hyperimmunoglobulinemia D with periodic fever. Identifiers: Orphanet 343, MedGen C0398691, MONDO:0009849, OMIM 260920.
Mevalonic aciduria (MEVA). Identifiers: Orphanet 29, MedGen C1959626, MONDO:0012481, OMIM 610377.
Autoinflammatory syndrome. Identifiers: Orphanet 93665, MedGen C3890737, MONDO:0019751.

Allele frequency attached by ClinVar (database versions not stated): 1000 Genomes Project 0.00739; 1000 Genomes Project 30x 0.00843; TOPMed 0.00885; ESP Exome Variant Server 0.01046.

Submissions (11):

Labcorp Genetics (formerly Invitae), Labcorp
Classification: Benign for Mevalonic aciduria; Hyperimmunoglobulin D with periodic fever; Porokeratosis 3, disseminated superficial actinic type. Last evaluated: 2026-02-04. Review status: criteria provided, single submitter. Criteria: Invitae Variant Classification Sherloc (09022015). Collection method: clinical testing. Allele origin: germline.

Women's Health and Genetics/Laboratory Corporation of America, LabCorp
Classification: Likely benign. Last evaluated: 2026-01-23. Review status: criteria provided, single submitter. Criteria: LabCorp Variant Classification Summary - May 2015. Collection method: clinical testing. Allele origin: germline.

Mayo Clinic Laboratories, Mayo Clinic
Classification: Benign. Last evaluated: 2025-05-29. Review status: criteria provided, single submitter. Criteria: ACMG Guidelines, 2015. Collection method: clinical testing. Allele origin: germline. Observed: 10 variant alleles.
Comment: BS1, BS2, BP4, BP7

ARUP Laboratories, Molecular Genetics and Genomics, ARUP Laboratories
Classification: Benign. Last evaluated: 2025-02-13. Review status: criteria provided, single submitter. Criteria: ARUP Molecular Germline Variant Investigation Process 2024. Collection method: clinical testing. Allele origin: germline.

Blueprint Genetics
Classification: Likely benign. Last evaluated: 2024-11-26. Review status: criteria provided, single submitter. Criteria: ACMG Guidelines, 2015. Collection method: clinical testing. Allele origin: germline.

Fulgent Genetics
Classification: Likely benign for Porokeratosis 3, disseminated superficial actinic type; Hyperimmunoglobulin D with periodic fever; Mevalonic aciduria. Last evaluated: 2021-09-27. Review status: criteria provided, single submitter. Criteria: ACMG Guidelines, 2015. Collection method: clinical testing. Allele origin: unknown.

Genome Diagnostics Laboratory, The Hospital for Sick Children
Classification: Benign for Autoinflammatory syndrome. Last evaluated: 2021-08-12. Review status: criteria provided, single submitter. Criteria: ACMG Guidelines, 2015. Collection method: clinical testing. Allele origin: germline. Affected: yes.

Illumina Laboratory Services, Illumina
Classification: Benign for Hyperimmunoglobulin D with periodic fever. Last evaluated: 2018-01-13. Review status: criteria provided, single submitter. Criteria: ICSL Variant Classification Criteria 13 December 2019. Collection method: clinical testing. Allele origin: germline.
Comment: This variant was observed in the ICSL laboratory as part of a predisposition screen in an ostensibly healthy population. It had not been previously curated by ICSL or reported in the Human Gene Mutation Database (HGMD: prior to June 1st, 2018), and was therefore a candidate for classification through an automated scoring system. Utilizing variant allele frequency, disease prevalence and penetrance estimates, and inheritance mode, an automated score was calculated to assess if this variant is too frequent to cause the disease. Based on the score and internal cut-off values, a variant classified as benign is not then subjected to further curation. The score for this variant resulted in a classification of benign for this disease.

Illumina Laboratory Services, Illumina
Classification: Benign for Mevalonic aciduria. Last evaluated: 2018-01-13. Review status: criteria provided, single submitter. Criteria: ICSL Variant Classification Criteria 13 December 2019. Collection method: clinical testing. Allele origin: germline.
Comment: the same text as in the submission from Illumina Laboratory Services, Illumina above.

GeneDx
Classification: Benign. Last evaluated: 2015-03-03. Review status: criteria provided, single submitter. Criteria: GeneDx Variant Classification Process June 2021. Collection method: clinical testing. Allele origin: germline. Affected: yes.

Breakthrough Genomics
Classification: Benign. Review status: criteria provided, single submitter. Criteria: ACMG Guidelines, 2015. Collection method: not provided. Allele origin: germline. Inheritance: Autosomal recessive inheritance. Affected: yes.

Literature cited by the submitters: PubMed 15536479 (cited by Mayo Clinic Laboratories, Mayo Clinic).

NM_000431.4(MVK):c.780C>A (p.Ile260=)

Gene: MVK (mevalonate kinase; plus strand). Cytogenetic location: 12q24.11.
Variant type: single nucleotide variant.
Coding change: c.780C>A on transcript NM_000431.4 (MANE Select); coding-DNA position 780, C replaced by A.
Protein change: p.Ile260=; no amino-acid change (isoleucine 260 retained).
Molecular consequence: synonymous variant.
Genome position (GRCh38, 1-based): chr12:109,591,252, C>A. VCF-style: chr12-109591252-C-A. GRCh37 (hg19) VCF-style: chr12-110029057-C-A.
Other names: p.Ile260=; c.780C>A (LRG_156t1); c.780C>A, p.Ile260= (NM_001114185.3); c.624C>A, p.Ile208= (NM_001301182.2).
Identifiers: ClinVar variation 307099 (VCV000307099.34), dbSNP rs34975996, ClinGen allele CA6779377.
Genomic context (GRCh38, chr12:109,591,252, plus strand): 5'-ATCTGCCTGCCCCCAGGCCTCACCAGCCGTTCCTTCTTTTTTTCTCCAGTTCCCAGAGAT[C>A]GTGGCCCCCCTCCTGACCTCAATAGATGCCATCTCCCTGGAGTGTGAGCGCGTGCTGGGA-3'
Protein context (NP_000422.1, residues 250-270): VRNRLLKFPE[Ile260=]VAPLLTSIDA